The following is an entry in ClinVar:

NM_182961.4(SYNE1):c.7334A>C (p.Lys2445Thr)

Gene: SYNE1 (spectrin repeat containing nuclear envelope protein 1; minus strand). Cytogenetic location: 6q25.2.
Variant type: single nucleotide variant.
Coding change: c.7334A>C on transcript NM_182961.4 (MANE Select); coding-DNA position 7334, A replaced by C.
Protein change: p.Lys2445Thr; replaces lysine 2445 with threonine.
Molecular consequence: missense variant.
Genome position (GRCh38, 1-based): chr6:152,398,635, T>G on the plus strand (A>C on the coding strand, the complement: SYNE1 is on the minus strand). VCF-style: chr6-152398635-T-G. GRCh37 (hg19) VCF-style: chr6-152719770-T-G.
Other names: c.7355A>C, p.Lys2452Thr (NM_033071.5); short protein forms K2445T, K2452T.
Identifiers: ClinVar variation 1362458 (VCV001362458.8), dbSNP rs2154145830, ClinGen allele CA366115353.
Genomic context (GRCh38, chr6:152,398,635, plus strand): 5'-GAGTACATTTTGGGGAAGAAGGAAAAGGATGTCAGCTTCTATACCTGAAGATCATGGAGC[T>G]TTGCTTCTAGAACTTTGCTGTCACCGGTGCGATCTGATGATTCTTTTGCTGCTGCCTTTG-3'
Protein context (NP_892006.3, residues 2435-2455): RTGDSKVLEA[Lys2445Thr]LHDLQNILDS

ClinVar aggregate classification (germline): Uncertain significance (1 of 4 stars; one submission).

Conditions:
Autosomal recessive ataxia, Beauce type. Also called: SYNE1-Related Autosomal Recessive Cerebellar Ataxia; SYNE1 Deficiency; Spinocerebellar ataxia, autosomal recessive 8; ATAXIA, RECESSIVE, OF BEAUCE. Identifiers: Orphanet 88644, MedGen C1853116, MONDO:0012549, OMIM 610743.
Emery-Dreifuss muscular dystrophy 4, autosomal dominant (EDMD4). Also called: EMERY-DREIFUSS MUSCULAR DYSTROPHY 4 WITH VARIABLE FEATURES. Identifiers: Orphanet 261, MedGen C2751807, MONDO:0013071, OMIM 612998.

Submission:

Labcorp Genetics (formerly Invitae), Labcorp
Classification: Uncertain significance for Emery-Dreifuss muscular dystrophy 4, autosomal dominant; Autosomal recessive ataxia, Beauce type. Last evaluated: 2021-06-19. Review status: criteria provided, single submitter. Criteria: Invitae Variant Classification Sherloc (09022015). Collection method: clinical testing. Allele origin: germline.
Comment: Algorithms developed to predict the effect of missense changes on protein structure and function (SIFT, PolyPhen-2, Align-GVGD) all suggest that this variant is likely to be disruptive, but these predictions have not been confirmed by published functional studies and their clinical significance is uncertain. In summary, the available evidence is currently insufficient to determine the role of this variant in disease. Therefore, it has been classified as a Variant of Uncertain Significance. This variant has not been reported in the literature in individuals with SYNE1-related conditions. This variant is not present in population databases (ExAC no frequency). This sequence change replaces lysine with threonine at codon 2452 of the SYNE1 protein (p.Lys2452Thr). The lysine residue is highly conserved and there is a moderate physicochemical difference between lysine and threonine.